The following is an entry in ClinVar:

NM_176869.3(PPA2):c.208G>C (p.Val70Leu)

Gene: PPA2 (inorganic pyrophosphatase 2; minus strand). Cytogenetic location: 4q24.
Variant type: single nucleotide variant.
Coding change: c.208G>C on transcript NM_176869.3 (MANE Select); coding-DNA position 208, G replaced by C.
Protein change: p.Val70Leu; replaces valine 70 with leucine.
Molecular consequence: missense variant. On other transcripts: intron variant (1).
Genome position (GRCh38, 1-based): chr4:105,456,695, C>G on the plus strand (G>C on the coding strand, the complement: PPA2 is on the minus strand). VCF-style: chr4-105456695-C-G. GRCh37 (hg19) VCF-style: chr4-106377852-C-G.
Other names: c.208G>C, p.Val70Leu (NM_006903.4, NM_176866.2); c.157+17199G>C (NM_176867.3); short protein forms V70L.
Identifiers: ClinVar variation 1963722 (VCV001963722.5), dbSNP rs2477291533, ClinGen allele CA357806015.

ClinVar aggregate classification (germline): Uncertain significance (1 of 4 stars; one submission).

gnomAD v4.1: 1 of 1,605,802 alleles (0.000062%); highest among the groups gnomAD compares: Non-Finnish European, 0.000085%; no homozygotes.

Submission:

Labcorp Genetics (formerly Invitae), Labcorp
Classification: Uncertain significance. Last evaluated: 2024-01-15. Review status: criteria provided, single submitter. Criteria: Invitae Variant Classification Sherloc (09022015). Collection method: clinical testing. Allele origin: germline.
Comment: This sequence change replaces valine, which is neutral and non-polar, with leucine, which is neutral and non-polar, at codon 70 of the PPA2 protein (p.Val70Leu). This variant is not present in population databases (gnomAD no frequency). This variant has not been reported in the literature in individuals affected with PPA2-related conditions. ClinVar contains an entry for this variant (Variation ID: 1963722). Advanced modeling of protein sequence and biophysical properties (such as structural, functional, and spatial information, amino acid conservation, physicochemical variation, residue mobility, and thermodynamic stability) performed at Invitae indicates that this missense variant is not expected to disrupt PPA2 protein function with a negative predictive value of 80%. In summary, the available evidence is currently insufficient to determine the role of this variant in disease. Therefore, it has been classified as a Variant of Uncertain Significance.